The following is an entry in ClinVar:

NM_172232.4(ABCA5):c.2302A>G (p.Asn768Asp)

Gene: ABCA5 (ATP binding cassette subfamily A member 5; minus strand). Cytogenetic location: 17q24.3.
Variant type: single nucleotide variant.
Coding change: c.2302A>G on transcript NM_172232.4 (MANE Select); coding-DNA position 2302, A replaced by G.
Protein change: p.Asn768Asp; replaces asparagine 768 with aspartic acid.
Molecular consequence: missense variant.
Genome position (GRCh38, 1-based): chr17:69,284,043, T>C on the plus strand (A>G on the coding strand, the complement: ABCA5 is on the minus strand). VCF-style: chr17-69284043-T-C. GRCh37 (hg19) VCF-style: chr17-67280184-T-C.
Other names: c.2302A>G, p.Asn768Asp (NM_018672.5); short protein forms N768D.
Identifiers: ClinVar variation 777717 (VCV000777717.7), dbSNP rs140430746, ClinGen allele CA8737338.
Genomic context (GRCh38, chr17:69,284,043, plus strand): 5'-GCTTTAAAAATACGTCTTCCAAAGTCGTCATGGAAACACCATAAGAAATGACACCCAAAT[T>C]TGAATGACTGTCTAGGGCAGAAAACAAACCTAAAAGAAAAAAATGAAAGAATAGTATATC-3'
Protein context (NP_758424.1, residues 758-778): GLFSALDSHS[Asn768Asp]LGVISYGVSM

ClinVar aggregate classification (germline): Benign. Review status: criteria provided, multiple submitters, no conflicts (2 of 4 stars). 3 submissions from 3 submitters: Benign (2). 1 of the submissions does not count toward it. Last evaluated 2019-12-31.

Conditions:
ABCA5-related disorder. Also called: ABCA5-related condition.

Allele frequency attached by ClinVar (database versions not stated): gnomAD exomes 0.00435; ExAC 0.00553; gnomAD 0.01648; 1000 Genomes Project 0.01657; 1000 Genomes Project 30x 0.01858; TOPMed 0.01882; ESP Exome Variant Server 0.01884.
gnomAD v4.1: 5,054 of 1,605,374 alleles (0.31%); highest among the groups gnomAD compares: African/African-American, 5.7%; 142 homozygotes.

Submissions (3):

Labcorp Genetics (formerly Invitae), Labcorp
Classification: Benign. Last evaluated: 2019-12-31. Review status: criteria provided, single submitter. Criteria: Invitae Variant Classification Sherloc (09022015). Collection method: clinical testing. Allele origin: germline.

Breakthrough Genomics
Classification: Benign. Review status: criteria provided, single submitter. Criteria: ACMG Guidelines, 2015. Collection method: not provided. Allele origin: germline. Inheritance: Autosomal recessive inheritance. Affected: yes.

PreventionGenetics, part of Exact Sciences
Classification: Benign for ABCA5-related condition. Last evaluated: 2019-06-12. Review status: no assertion criteria provided. Collection method: clinical testing. Allele origin: germline. Not counted in ClinVar's aggregate classification.
Comment: This variant is classified as benign based on ACMG/AMP sequence variant interpretation guidelines (Richards et al. 2015 PMID: 25741868, with internal and published modifications).